The following is an entry in ClinVar:

ClinVar aggregate classification (germline): Uncertain significance (1 of 4 stars; one submission).

Conditions:
GLI3-related disorder. Also called: GLI3-related condition; GLI3-related disorders. Identifiers: MedGen CN239292.

Submission:

PreventionGenetics, part of Exact Sciences
Classification: Uncertain significance for GLI3-related condition. Last evaluated: 2025-12-17. Review status: criteria provided, single submitter. Criteria: ACMG Guidelines, 2015. Collection method: clinical testing. Allele origin: germline.
Comment: The GLI3 c.4654A>G variant is predicted to result in the amino acid substitution p.Met1552Val. To our knowledge, this variant has not been reported in the literature. This variant is reported in 0.00088% of alleles in individuals of European (Non-Finnish) descent in gnomAD. At this time, the clinical significance of this variant is uncertain due to the absence of conclusive functional and genetic evidence.

NM_000168.6(GLI3):c.4654A>G (p.Met1552Val)

Gene: GLI3 (GLI family zinc finger 3; minus strand). Cytogenetic location: 7p14.1.
Variant type: single nucleotide variant.
Coding change: c.4654A>G on transcript NM_000168.6 (MANE Select); coding-DNA position 4654, A replaced by G.
Protein change: p.Met1552Val; replaces methionine 1552 with valine.
Molecular consequence: missense variant.
Genome position (GRCh38, 1-based): chr7:41,964,419, T>C on the plus strand (A>G on the coding strand, the complement: GLI3 is on the minus strand). VCF-style: chr7-41964419-T-C. GRCh37 (hg19) VCF-style: chr7-42004017-T-C.
Other names: short protein forms M1552V.
Identifiers: ClinVar variation 4988146 (VCV004988146.1).
Genomic context (GRCh38, chr7:41,964,419, plus strand): 5'-CTTCCGCTAGGGAGGTCAGCAAAGAACTCATGTCCCCGATAGCCATGTTGGTGGTGCTCA[T>C]GGACAGCGCTGGGAATGGGAGGGACGCCCGAGGCGTGGTGAGGCGGGAGGAGCTATGGGA-3'
Protein context (NP_000159.3, residues 1542-1562): RASLPFPALS[Met1552Val]STTNMAIGDM